The following is an entry in ClinVar:

NM_001848.3(COL6A1):c.2963C>G (p.Thr988Ser)

Gene: COL6A1 (collagen type VI alpha 1 chain; plus strand). Cytogenetic location: 21q22.3.
Variant type: single nucleotide variant.
Coding change: c.2963C>G on transcript NM_001848.3 (MANE Select); coding-DNA position 2963, C replaced by G.
Protein change: p.Thr988Ser; replaces threonine 988 with serine.
Molecular consequence: missense variant.
Genome position (GRCh38, 1-based): chr21:46,003,889, C>G. VCF-style: chr21-46003889-C-G. GRCh37 (hg19) VCF-style: chr21-47423803-C-G.
Other names: short protein forms T988S.
Identifiers: ClinVar variation 653775 (VCV000653775.16), dbSNP rs746046225, ClinGen allele CA10071087.

ClinVar aggregate classification (germline): Conflicting classifications of pathogenicity. Review status: criteria provided, conflicting classifications (1 of 4 stars). 5 submissions from 5 submitters: Uncertain significance (3); Likely benign (1). 1 of the submissions does not count toward it. Last evaluated 2025-10-02.

Conditions:
Inborn genetic diseases. Identifiers: MedGen C0950123, MeSH D030342.
Bethlem myopathy 1A. Also called: MYOPATHY, BENIGN CONGENITAL, WITH CONTRACTURES; Bethlem myopathy 1; Bethlem Muscular Dystrophy. Identifiers: Orphanet 610, MedGen CN029274, MONDO:0024530, OMIM 158810.
COL6A1-related disorder. Also called: COL6A1-related condition.
Collagen 6-related myopathy. Identifiers: MedGen CN117976, MONDO:0100225.

Allele frequency attached by ClinVar (database versions not stated): ExAC 0.00001; TOPMed 0.00001; gnomAD 0.00002.
gnomAD v4.1: 23 of 1,601,586 alleles (0.0014%); highest among the groups gnomAD compares: Non-Finnish European, 0.0018%; no homozygotes.

Submissions (5):

Labcorp Genetics (formerly Invitae), Labcorp
Classification: Likely benign for Bethlem myopathy 1A. Last evaluated: 2025-10-02. Review status: criteria provided, single submitter. Criteria: Invitae Variant Classification Sherloc (09022015). Collection method: clinical testing. Allele origin: germline.

Ambry Genetics
Classification: Uncertain significance for Inborn genetic diseases. Last evaluated: 2025-09-10. Review status: criteria provided, single submitter. Criteria: Ambry Variant Classification Scheme 2023. Collection method: clinical testing. Allele origin: germline.

Revvity Omics, Revvity
Classification: Uncertain significance. Last evaluated: 2024-12-27. Review status: criteria provided, single submitter. Criteria: ACMG Guidelines, 2015. Collection method: clinical testing. Allele origin: germline.

Blueprint Genetics
Classification: Uncertain significance. Last evaluated: 2024-05-27. Review status: criteria provided, single submitter. Criteria: ACMG Guidelines, 2015. Collection method: clinical testing. Allele origin: germline.

PreventionGenetics, part of Exact Sciences
Classification: Uncertain significance for COL6A1-related condition. Last evaluated: 2024-01-17. Review status: no assertion criteria provided. Collection method: clinical testing. Allele origin: germline. Not counted in ClinVar's aggregate classification.
Comment: The COL6A1 c.2963C>G variant is predicted to result in the amino acid substitution p.Thr988Ser. To our knowledge, this variant has not been reported in the literature. This variant is reported in 0.0018% of alleles in individuals of European (Non-Finnish) descent in gnomAD. At this time, the clinical significance of this variant is uncertain due to the absence of conclusive functional and genetic evidence.